The following is an entry in ClinVar:

ClinVar aggregate classification (germline): Pathogenic (1 of 4 stars; one submission).

Conditions:
Congenital myasthenic syndrome 4A. Also called: Myasthenic syndrome, congenital, 4a, slow-channel; CONGENITAL MYASTHENIC SYNDROME TYPE Ia1; MYASTHENIC SYNDROME, CONGENITAL, 4A, SLOW-CHANNEL, AUTOSOMAL RECESSIVE. Identifiers: Orphanet 590, MedGen C4225413, MONDO:0011600, OMIM 605809.

Submission:

Labcorp Genetics (formerly Invitae), Labcorp
Classification: Pathogenic for Myasthenia, Familial Infantile, 1. Last evaluated: 2019-10-24. Review status: criteria provided, single submitter. Criteria: Invitae Variant Classification Sherloc (09022015). Collection method: clinical testing. Allele origin: germline.
Comment: A gross deletion of the genomic region encompassing the full coding sequence of the CHRNE gene has been identified. The boundaries of this event are unknown as the deletion extends beyond the assayed region for this gene and therefore may encompass additional genes. This variant has not been reported in the literature in individuals with CHRNE-related conditions. Loss-of-function variants in CHRNE are known to be pathogenic (PMID: 22678886). For these reasons, this variant has been classified as Pathogenic.

NC_000017.11:g.(?_4898726)_(4948404_?)del

Genes: C17orf107 (chromosome 17 open reading frame 107; plus strand), CHRNE (cholinergic receptor nicotinic epsilon subunit; minus strand), GP1BA (glycoprotein Ib platelet subunit alpha; plus strand), PFN1 (profilin 1; minus strand), RNF167 (ring finger protein 167; plus strand) and 1 more. Cytogenetic location: 17p13.2.
Variant type: Deletion.
Identifiers: ClinVar variation 833374 (VCV000833374.1).